The following is an entry in ClinVar:

ClinVar aggregate classification (germline): Uncertain significance (1 of 4 stars; one submission).

Conditions:
Aldosterone-producing adenoma with seizures and neurological abnormalities. Also called: Primary aldosteronism, seizures, and neurologic abnormalities. Identifiers: Orphanet 369929, MedGen C3809609, MONDO:0014200, OMIM 615474.

Submission:

Institute of Human Genetics, University of Leipzig Medical Center
Classification: Uncertain significance for Aldosterone-producing adenoma with seizures and neurological abnormalities. Last evaluated: 2026-01-20. Review status: criteria provided, single submitter. Criteria: ACMG Guidelines, 2015. Collection method: clinical testing. Allele origin: de novo. Inheritance: Autosomal dominant inheritance. Affected: yes.
Comment: Criteria applied: PS2_MOD,PM2

NM_001128840.3(CACNA1D):c.167C>T (p.Ala56Val)

Gene: CACNA1D (calcium voltage-gated channel subunit alpha1 D; plus strand). Cytogenetic location: 3p21.1.
Variant type: single nucleotide variant.
Coding change: c.167C>T on transcript NM_001128840.3 (MANE Select); coding-DNA position 167, C replaced by T.
Protein change: p.Ala56Val; replaces alanine 56 with valine.
Molecular consequence: missense variant.
Genome position (GRCh38, 1-based): chr3:53,497,251, C>T. VCF-style: chr3-53497251-C-T. GRCh37 (hg19) VCF-style: chr3-53531278-C-T.
Other names: c.167C>T, p.Ala56Val (NM_000720.4, NM_001128839.3); short protein forms A56V.
Identifiers: ClinVar variation 4819181 (VCV004819181.1).